The following is an entry in ClinVar:

NM_003835.4(RGS9):c.1376G>A (p.Arg459Gln)

Gene: RGS9 (regulator of G protein signaling 9; plus strand). Cytogenetic location: 17q24.1.
Variant type: single nucleotide variant.
Coding change: c.1376G>A on transcript NM_003835.4 (MANE Select); coding-DNA position 1376, G replaced by A.
Protein change: p.Arg459Gln; replaces arginine 459 with glutamine.
Molecular consequence: missense variant.
Genome position (GRCh38, 1-based): chr17:65,210,574, G>A. VCF-style: chr17-65210574-G-A. GRCh37 (hg19) VCF-style: chr17-63206692-G-A.
Other names: c.1367G>A, p.Arg456Gln (NM_001081955.3, NM_001165933.2); short protein forms R456Q, R459Q.
Identifiers: ClinVar variation 2061246 (VCV002061246.4), dbSNP rs770786327, ClinGen allele CA8718017.

ClinVar aggregate classification (germline): Uncertain significance (1 of 4 stars; one submission).

Allele frequency attached by ClinVar (database versions not stated): gnomAD exomes below 0.00001; ExAC 0.00002; TOPMed 0.00002; gnomAD 0.00003.
gnomAD v4.1: 10 of 1,613,920 alleles (0.00062%); highest among the groups gnomAD compares: African/African-American, 0.0067%; no homozygotes.

Submission:

Labcorp Genetics (formerly Invitae), Labcorp
Classification: Uncertain significance. Last evaluated: 2022-03-17. Review status: criteria provided, single submitter. Criteria: Invitae Variant Classification Sherloc (09022015). Collection method: clinical testing. Allele origin: germline.
Comment: In summary, the available evidence is currently insufficient to determine the role of this variant in disease. Therefore, it has been classified as a Variant of Uncertain Significance. Algorithms developed to predict the effect of missense changes on protein structure and function are either unavailable or do not agree on the potential impact of this missense change (SIFT: "Deleterious"; PolyPhen-2: "Benign"; Align-GVGD: "Class C0"). This variant has not been reported in the literature in individuals affected with RGS9-related conditions. This variant is present in population databases (rs770786327, gnomAD 0.01%). This sequence change replaces arginine, which is basic and polar, with glutamine, which is neutral and polar, at codon 459 of the RGS9 protein (p.Arg459Gln).